The following is an entry in ClinVar:

NM_031308.4(EPPK1):c.2687G>T (p.Gly896Val)

Gene: EPPK1 (epiplakin 1; minus strand). Cytogenetic location: 8q24.3.
Variant type: single nucleotide variant.
Coding change: c.2687G>T on transcript NM_031308.4 (MANE Select); coding-DNA position 2687, G replaced by T.
Protein change: p.Gly896Val; replaces glycine 896 with valine.
Molecular consequence: missense variant.
Genome position (GRCh38, 1-based): chr8:143,870,567, C>A on the plus strand (G>T on the coding strand, the complement: EPPK1 is on the minus strand). VCF-style: chr8-143870567-C-A. GRCh37 (hg19) VCF-style: chr8-144944735-C-A.
Other names: short protein forms G896V.
Identifiers: ClinVar variation 3048270 (VCV003048270.2), dbSNP rs185987090, ClinGen allele CA4922985.
Genomic context (GRCh38, chr8:143,870,567, plus strand): 5'-AGGGCCTCCGGGCTGATTGTCCCGGCCAGCACTTGGTCCAACAGCTGCTGGTCAATGATA[C>A]CGGCCTCCAGGAGCTGGTGGACGGTGACCCGGCTCCGCAGTGCGGGCAGCATGATGTCCG-3'
Protein context (NP_112598.3, residues 886-906): RVTVHQLLEA[Gly896Val]IIDQQLLDQV

ClinVar aggregate classification (germline): Benign (0 of 4 stars; one submission).

Conditions:
EPPK1-related disorder. Also called: EPPK1-related condition.

Allele frequency attached by ClinVar (database versions not stated): ESP Exome Variant Server 0.00008; gnomAD exomes 0.00031; gnomAD 0.00064; TOPMed 0.00074; ExAC 0.00155; 1000 Genomes Project 30x 0.00437; 1000 Genomes Project 0.00439.
gnomAD v4.1: 581 of 1,611,564 alleles (0.036%); highest among the groups gnomAD compares: East Asian, 0.99%; 7 homozygotes.

Submission:

PreventionGenetics, part of Exact Sciences
Classification: Benign for EPPK1-related condition. Last evaluated: 2021-04-28. Review status: no assertion criteria provided. Collection method: clinical testing. Allele origin: germline.
Comment: This variant is classified as benign based on ACMG/AMP sequence variant interpretation guidelines (Richards et al. 2015 PMID: 25741868, with internal and published modifications).